The following is an entry in ClinVar:

NM_005216.5(DDOST):c.82C>T (p.Pro28Ser)

Gene: DDOST (dolichyl-diphosphooligosaccharide--protein glycosyltransferase non-catalytic subunit; minus strand). Cytogenetic location: 1p36.12.
Variant type: single nucleotide variant.
Coding change: c.82C>T on transcript NM_005216.5 (MANE Select); coding-DNA position 82, C replaced by T.
Protein change: p.Pro28Ser; replaces proline 28 with serine.
Molecular consequence: missense variant.
Genome position (GRCh38, 1-based): chr1:20,661,269, G>A on the plus strand (C>T on the coding strand, the complement: DDOST is on the minus strand). VCF-style: chr1-20661269-G-A. GRCh37 (hg19) VCF-style: chr1-20987762-G-A.
Other names: short protein forms P28S.
Identifiers: ClinVar variation 2056902 (VCV002056902.6), dbSNP rs200589624, ClinGen allele CA661370.
Genomic context (GRCh38, chr1:20,661,269, plus strand): 5'-GGAAGAAAAGCGAATGAGTCTCCCGCACGTTGAGGTTGTCCAGCAGCACTAAGGTGCGGG[G>A]TCCGCTGGCGCAAACCGCGCCAAGCAAGGGCAGCAGCAACCAAAAGAGGGCCCAAGCCCG-3'
Protein context (NP_005207.3, residues 18-38): PLLGAVCASG[Pro28Ser]RTLVLLDNLN

ClinVar aggregate classification (germline): Uncertain significance. Review status: criteria provided, multiple submitters, no conflicts (2 of 4 stars). 2 submissions from 2 submitters: Uncertain significance (2). Last evaluated 2025-10-02.

Conditions:
Congenital disorder of glycosylation type Ir (CDG1R). Also called: DDOST-congenital disorder of glycosylation. Identifiers: Orphanet 300536, MedGen C3281084, MONDO:0013789, OMIM 614507.

Allele frequency attached by ClinVar (database versions not stated): gnomAD exomes 0.00010; TOPMed 0.00010; gnomAD 0.00011; ExAC 0.00012; ESP Exome Variant Server 0.00031.
gnomAD v4.1: 164 of 1,614,006 alleles (0.01%); highest among the groups gnomAD compares: Non-Finnish European, 0.013%; no homozygotes.

Submissions (2):

Labcorp Genetics (formerly Invitae), Labcorp
Classification: Uncertain significance for Congenital disorder of glycosylation type Ir. Last evaluated: 2025-10-02. Review status: criteria provided, single submitter. Criteria: Invitae Variant Classification Sherloc (09022015). Collection method: clinical testing. Allele origin: germline.
Comment: This sequence change replaces proline, which is neutral and non-polar, with serine, which is neutral and polar, at codon 45 of the DDOST protein (p.Pro45Ser). This variant is present in population databases (rs200589624, gnomAD 0.02%). This variant has not been reported in the literature in individuals affected with DDOST-related conditions. ClinVar contains an entry for this variant (Variation ID: 2056902). Invitae Evidence Modeling of protein sequence and biophysical properties (such as structural, functional, and spatial information, amino acid conservation, physicochemical variation, residue mobility, and thermodynamic stability) indicates that this missense variant is not expected to disrupt DDOST protein function with a negative predictive value of 80%. In summary, the available evidence is currently insufficient to determine the role of this variant in disease. Therefore, it has been classified as a Variant of Uncertain Significance.

Ambry Genetics
Classification: Uncertain significance. Last evaluated: 2025-01-24. Review status: criteria provided, single submitter. Criteria: Ambry Variant Classification Scheme 2023. Collection method: clinical testing. Allele origin: germline.